The following is an entry in ClinVar:

ClinVar aggregate classification (germline): Uncertain significance (1 of 4 stars; one submission).

Allele frequency attached by ClinVar (database versions not stated): gnomAD exomes below 0.00001; gnomAD 0.00001.
gnomAD v4.1: 2 of 1,613,598 alleles (0.00012%); highest among the groups gnomAD compares: Non-Finnish European, 0.00017%; no homozygotes.

Submission:

Labcorp Genetics (formerly Invitae), Labcorp
Classification: Uncertain significance. Last evaluated: 2021-08-05. Review status: criteria provided, single submitter. Criteria: Invitae Variant Classification Sherloc (09022015). Collection method: clinical testing. Allele origin: germline.
Comment: Algorithms developed to predict the effect of missense changes on protein structure and function are either unavailable or do not agree on the potential impact of this missense change (SIFT: "Deleterious"; PolyPhen-2: "Probably Damaging"; Align-GVGD: "Class C0"). This sequence change replaces cysteine with arginine at codon 1561 of the MCM3AP protein (p.Cys1561Arg). The cysteine residue is highly conserved and there is a large physicochemical difference between cysteine and arginine. This variant is not present in population databases (ExAC no frequency). This variant has not been reported in the literature in individuals affected with MCM3AP-related conditions. In summary, the available evidence is currently insufficient to determine the role of this variant in disease. Therefore, it has been classified as a Variant of Uncertain Significance.

NM_003906.5(MCM3AP):c.4681T>C (p.Cys1561Arg)

Genes: MCM3AP (minichromosome maintenance complex component 3 associated protein; minus strand), MCM3AP-AS1 (MCM3AP antisense RNA 1; plus strand). Cytogenetic location: 21q22.3.
Variant type: single nucleotide variant.
Coding change: c.4681T>C on transcript NM_003906.5 (MANE Select); coding-DNA position 4681, T replaced by C.
Protein change: p.Cys1561Arg; replaces cysteine 1561 with arginine.
Molecular consequence: missense variant.
Genome position (GRCh38, 1-based): chr21:46,245,164, A>G on the plus strand (T>C on the coding strand, the complement: MCM3AP is on the minus strand). VCF-style: chr21-46245164-A-G. GRCh37 (hg19) VCF-style: chr21-47665078-A-G.
Other names: short protein forms C1561R.
Identifiers: ClinVar variation 1510401 (VCV001510401.5), dbSNP rs1569054723, ClinGen allele CA410543904.